The following is an entry in ClinVar:

ClinVar aggregate classification (germline): Pathogenic/Likely pathogenic. Review status: criteria provided, multiple submitters, no conflicts (2 of 4 stars). 5 submissions from 5 submitters: Pathogenic (2); Likely pathogenic (1). 2 of the submissions do not count toward it. Last evaluated 2025-02-20.

Conditions:
Progeroid and marfanoid aspect-lipodystrophy syndrome. Also called: MARFANOID-PROGEROID-LIPODYSTROPHY SYNDROME; MARFANOID-PROGEROID SYNDROME; MARFAN-PROGEROID-LIPODYSTROPHY SYNDROME; Marfan lipodystrophy syndrome. Identifiers: Orphanet 300382, MedGen C4310796, MONDO:0014831, OMIM 616914.
Marfan syndrome (MFS). Also called: MARFAN SYNDROME, TYPE I; FBN1-Related Marfan Syndrome; Marfan syndrome, classic; Marfan syndrome type 1; Marfan's syndrome. Identifiers: Orphanet 284963, Orphanet 558, MedGen C0024796, MONDO:0007947, OMIM 154700.
Familial thoracic aortic aneurysm and aortic dissection (TAAD). Also called: Thoracic aortic aneurysms and dissections. Identifiers: Orphanet 91387, MedGen C4707243, MONDO:0019625.

Submissions (5):

GeneDx
Classification: Pathogenic. Last evaluated: 2025-02-20. Review status: criteria provided, single submitter. Criteria: GeneDx Variant Classification Process June 2021. Collection method: clinical testing. Allele origin: germline. Affected: yes.
Comment: Published functional studies revealed skipping of exon 65, resulting in a frameshift and creating a premature stop codon, denoted p.(His2685Ilefs*9); described as skipping of exon 64 due to alternate nomenclature (PMID: 24613577); Not observed at significant frequency in large population cohorts (gnomAD); Canonical splice site variant predicted to result in a null allele in a gene for which loss-of-function is a known mechanism of disease; This variant is associated with the following publications: (PMID: 24613577, 21594993, 27884935, 31774634)

3billion
Classification: Likely pathogenic for Progeroid and marfanoid aspect-lipodystrophy syndrome. Last evaluated: 2022-01-03. Review status: criteria provided, single submitter. Criteria: ACMG Guidelines, 2015. Collection method: clinical testing. Allele origin: germline. Affected: yes. Observed: 1 heterozygote.
Comment: The variant has been observed in at least two similarly affected unrelated individuals (PMID: 24613577, 21594993, PS4_M). Canonical splice site: predicted to alter splicing and result in a loss or disruption of normal protein function through protein truncation. The predicted truncated protein may be shortened by less than 10% (PVS1_M). The variant has been reported at least twice as pathogenic/likely pathogenic with clinical assertions and evidence for the classification (ClinVar ID: VCV000225629).It is not observed in the gnomAD v2.1.1 dataset (PM2_M). Therefore, this variant is classified as likely pathogenic according to the recommendation of ACMG/AMP guideline.

Labcorp Genetics (formerly Invitae), Labcorp
Classification: Pathogenic for Marfan syndrome; Familial thoracic aortic aneurysm and aortic dissection. Last evaluated: 2020-02-12. Review status: criteria provided, single submitter. Criteria: Invitae Variant Classification Sherloc (09022015). Collection method: clinical testing. Allele origin: germline.
Comment: This sequence change affects a donor splice site in intron 65 of the FBN1 gene. It is expected to disrupt RNA splicing and likely results in an absent or disrupted protein product. This variant is not present in population databases (ExAC no frequency). This variant has been reported to be de novo in an individuals affected with Marfan syndrome and lipodystrophy (PMID: 24613577). ClinVar contains an entry for this variant (Variation ID: 225629). A different variant affecting this nucleotide (c.8226+1G>T) has been determined to be pathogenic (PMID: 21594993). This suggests that this nucleotide is important for normal RNA splicing, and that other variants at this position may also be pathogenic. Experimental studies have shown that this intronic change causes the skipping of exon 65 during mRNA splicing (PMID: 24613577). This variant does not result in nonsense mediated decay, but creates a truncated protein that lacks the Furin site. For these reasons, this variant has been classified as Pathogenic.

OMIM
Classification: Pathogenic for MARFANOID-PROGEROID-LIPODYSTROPHY SYNDROME. Last evaluated: 2019-02-28. Review status: no assertion criteria provided. Collection method: literature only. Allele origin: germline. Not counted in ClinVar's aggregate classification.

Center for Medical Genetics Ghent, University of Ghent
Classification: Likely pathogenic for Marfan syndrome. Last evaluated: 2017-11-07. Review status: no assertion criteria provided. Collection method: clinical testing. Allele origin: germline. Affected: yes. Not counted in ClinVar's aggregate classification.

Literature cited by the submitters: PubMed 21594993 (cited by 3billion and Labcorp Genetics (formerly Invitae), Labcorp); PubMed 24613577 (cited by 3 submitters); Verloes, A., Pierard, G., Lombet, J., De Paepe, A. Congenital progeroid-marfanoid syndrome: variant of Wiedemann-Rautenstrauch or new syndrome? (Abstract) Proc. Greenwood Genet. Center 17: 103-104, 1998. (cited by OMIM).

NM_000138.5(FBN1):c.8226+1G>A

Gene: FBN1 (fibrillin 1; minus strand). Cytogenetic location: 15q21.1.
Variant type: single nucleotide variant.
Coding change: c.8226+1G>A on transcript NM_000138.5 (MANE Select); the canonical splice donor site of the intron after coding-DNA position 8226, G replaced by A.
Molecular consequence: splice donor variant.
Genome position (GRCh38, 1-based): chr15:48,412,568, C>T on the plus strand (G>A on the coding strand, the complement: FBN1 is on the minus strand). VCF-style: chr15-48412568-C-T. GRCh37 (hg19) VCF-style: chr15-48704765-C-T.
Other names: IVS64, G-A, +1; c.8226+1G>A (NM_001406716.1).
Identifiers: ClinVar variation 225629 (VCV000225629.8), dbSNP rs398122833, ClinGen allele CA10576035.
Genomic context (GRCh38, chr15:48,412,568, plus strand): 5'-CAGGAATCTGGAAGGGCTTTCCACCACAGGAGACATCAGGAGAAACTAACTTCTGACCCA[C>T]CTCGATATTGGAGGCATCAGTTTCGTTTGTGCTTCTCCGTTTCCTGCCCCGTTTGGGGTA-3'